The following is an entry in ClinVar:

NM_172250.3(MMAA):c.761C>T (p.Ala254Val)

Gene: MMAA (metabolism of cobalamin associated A; plus strand). Cytogenetic location: 4q31.21.
Variant type: single nucleotide variant.
Coding change: c.761C>T on transcript NM_172250.3 (MANE Select); coding-DNA position 761, C replaced by T.
Protein change: p.Ala254Val; replaces alanine 254 with valine.
Molecular consequence: missense variant.
Genome position (GRCh38, 1-based): chr4:145,651,089, C>T. VCF-style: chr4-145651089-C-T. GRCh37 (hg19) VCF-style: chr4-146572241-C-T.
Other names: c.761C>T, p.Ala254Val (NM_001375644.1); c.761C>T (NM_172250.2); short protein forms A254V.
Identifiers: ClinVar variation 2163571 (VCV002163571.2), dbSNP rs145018955, ClinGen allele CA3095263.
Genomic context (GRCh38, chr4:145,651,089, plus strand): 5'-ATTTTAGGATATAGTTGTGATTTACAATTTCAGGTGTGGGTCAGTCGGAGTTTGCTGTTG[C>T]TGACATGGTTGACATGTTTGTTTTACTACTGCCACCAGCAGGAGGAGATGAGCTGCAGGT-3'
Protein context (NP_758454.1, residues 244-264): VGVGQSEFAV[Ala254Val]DMVDMFVLLL

ClinVar aggregate classification (germline): Uncertain significance. Review status: criteria provided, multiple submitters, no conflicts (2 of 4 stars). 2 submissions from 2 submitters: Uncertain significance (2). Last evaluated 2024-06-04.

Conditions:
Methylmalonic aciduria, cblA type (MACA). Also called: Methylmalonic aciduria, vitamin b12-responsive, due to defect in synthesis of adenosylcobalamin, cbla complementation type; MMA cbl A type; Methylmalonic acidemia cblA type; Methylmalonic aciduria, vitamin B12-responsive; Vitamin B12-responsive methylmalonic acidemia type cblA. Identifiers: Orphanet 28, Orphanet 79310, MedGen C1855109, MONDO:0009613, OMIM 251100.

Allele frequency attached by ClinVar (database versions not stated): ExAC 0.00004; TOPMed 0.00004; gnomAD 0.00005; gnomAD exomes 0.00005; ESP Exome Variant Server 0.00031.
gnomAD v4.1: 84 of 1,613,982 alleles (0.0052%); highest among the groups gnomAD compares: Non-Finnish European, 0.0069%; no homozygotes.

Submissions (2):

GeneDx
Classification: Uncertain significance. Last evaluated: 2024-06-04. Review status: criteria provided, single submitter. Criteria: GeneDx Variant Classification Process June 2021. Collection method: clinical testing. Allele origin: germline. Affected: yes.
Comment: Not observed at significant frequency in large population cohorts (gnomAD); In silico analysis supports that this missense variant has a deleterious effect on protein structure/function; Has not been previously published as pathogenic or benign to our knowledge

Labcorp Genetics (formerly Invitae), Labcorp
Classification: Uncertain significance for Methylmalonic aciduria, cblA type. Last evaluated: 2022-05-28. Review status: criteria provided, single submitter. Criteria: Invitae Variant Classification Sherloc (09022015). Collection method: clinical testing. Allele origin: germline.
Comment: This sequence change replaces alanine, which is neutral and non-polar, with valine, which is neutral and non-polar, at codon 254 of the MMAA protein (p.Ala254Val). This variant is present in population databases (rs145018955, gnomAD 0.006%). This variant has not been reported in the literature in individuals affected with MMAA-related conditions. Advanced modeling of protein sequence and biophysical properties (such as structural, functional, and spatial information, amino acid conservation, physicochemical variation, residue mobility, and thermodynamic stability) performed at Invitae indicates that this missense variant is expected to disrupt MMAA protein function. In summary, the available evidence is currently insufficient to determine the role of this variant in disease. Therefore, it has been classified as a Variant of Uncertain Significance.